The following is an entry in ClinVar:

ClinVar aggregate classification (germline): Uncertain significance (1 of 4 stars; one submission).

Conditions:
Peroxisome biogenesis disorder. Identifiers: Orphanet 79189, MedGen C1832200, MONDO:0019234. Disease mechanism: loss of function.

Allele frequency attached by ClinVar (database versions not stated): TOPMed 0.00001; gnomAD exomes 0.00002; ExAC 0.00003.
gnomAD v4.1: 34 of 1,613,258 alleles (0.0021%); highest among the groups gnomAD compares: Middle Eastern, 0.016%; no homozygotes.

Submission:

Labcorp Genetics (formerly Invitae), Labcorp
Classification: Uncertain significance for Peroxisome biogenesis disorder. Last evaluated: 2024-12-09. Review status: criteria provided, single submitter. Criteria: Invitae Variant Classification Sherloc (09022015). Collection method: clinical testing. Allele origin: germline.
Comment: This sequence change replaces arginine, which is basic and polar, with histidine, which is basic and polar, at codon 737 of the PEX6 protein (p.Arg737His). This variant is present in population databases (rs767654358, gnomAD 0.01%). This variant has not been reported in the literature in individuals affected with PEX6-related conditions. ClinVar contains an entry for this variant (Variation ID: 1396492). Invitae Evidence Modeling of protein sequence and biophysical properties (such as structural, functional, and spatial information, amino acid conservation, physicochemical variation, residue mobility, and thermodynamic stability) indicates that this missense variant is expected to disrupt PEX6 protein function with a positive predictive value of 80%. In summary, the available evidence is currently insufficient to determine the role of this variant in disease. Therefore, it has been classified as a Variant of Uncertain Significance.

NM_000287.4(PEX6):c.2210G>A (p.Arg737His)

Gene: PEX6 (peroxisomal biogenesis factor 6; minus strand). Cytogenetic location: 6p21.1.
Variant type: single nucleotide variant.
Coding change: c.2210G>A on transcript NM_000287.4 (MANE Select); coding-DNA position 2210, G replaced by A.
Protein change: p.Arg737His; replaces arginine 737 with histidine.
Molecular consequence: missense variant.
Genome position (GRCh38, 1-based): chr6:42,966,332, C>T on the plus strand (G>A on the coding strand, the complement: PEX6 is on the minus strand). VCF-style: chr6-42966332-C-T. GRCh37 (hg19) VCF-style: chr6-42934070-C-T.
Other names: c.1946G>A, p.Arg649His (NM_001316313.2); short protein forms R737H, R649H.
Identifiers: ClinVar variation 1396492 (VCV001396492.4), dbSNP rs767654358, ClinGen allele CA3811101.